The following is an entry in ClinVar:

ClinVar aggregate classification (germline): Uncertain significance (1 of 4 stars; one submission).

Submission:

Labcorp Genetics (formerly Invitae), Labcorp
Classification: Uncertain significance. Last evaluated: 2023-08-08. Review status: criteria provided, single submitter. Criteria: Invitae Variant Classification Sherloc (09022015). Collection method: clinical testing. Allele origin: germline.
Comment: This sequence change replaces proline, which is neutral and non-polar, with leucine, which is neutral and non-polar, at codon 342 of the POLD2 protein (p.Pro342Leu). This variant is not present in population databases (gnomAD no frequency). This variant has not been reported in the literature in individuals affected with POLD2-related conditions. Experimental studies and prediction algorithms are not available or were not evaluated, and the functional significance of this variant is currently unknown. In summary, the available evidence is currently insufficient to determine the role of this variant in disease. Therefore, it has been classified as a Variant of Uncertain Significance.

NM_006230.4(POLD2):c.920C>T (p.Pro307Leu)

Gene: POLD2 (DNA polymerase delta 2, accessory subunit; minus strand). Cytogenetic location: 7p13.
Variant type: single nucleotide variant.
Coding change: c.920C>T on transcript NM_006230.4 (MANE Select); coding-DNA position 920, C replaced by T.
Protein change: p.Pro307Leu; replaces proline 307 with leucine.
Molecular consequence: missense variant.
Genome position (GRCh38, 1-based): chr7:44,116,214, G>A on the plus strand (C>T on the coding strand, the complement: POLD2 is on the minus strand). VCF-style: chr7-44116214-G-A. GRCh37 (hg19) VCF-style: chr7-44155813-G-A.
Other names: c.920C>T, p.Pro307Leu (NM_001127218.3, NM_001256879.2); short protein forms P307L.
Identifiers: ClinVar variation 2712639 (VCV002712639.3), dbSNP rs2484381463, ClinGen allele CA367380926.
Genomic context (GRCh38, chr7:44,116,214, plus strand): 5'-AGCTGGAGCGTGGAGTAGGCAGTGGCCAGCGGGAACATGCAGGGGTGGAGGGGCTGCTGG[G>A]GGAGCGTGTAATTGGTGGGATCAAACTCGCCTGGCATCACGTCCACGGGCACTGAGGCCT-3'
Protein context (NP_006221.3, residues 297-317): GEFDPTNYTL[Pro307Leu]QQPLHPCMFP